The following is an entry in ClinVar:

ClinVar aggregate classification (germline): Pathogenic (1 of 4 stars; one submission).

Conditions:
Deficiency of alpha-mannosidase (MANSA). Also called: Mannosidosis, alpha-, types I and II; LYSOSOMAL ALPHA-D-MANNOSIDASE DEFICIENCY; Alpha-Mannosidosis. Identifiers: Orphanet 61, MedGen C0024748, MONDO:0009561, OMIM 248500.

Submission:

Mendelics
Classification: Pathogenic for Deficiency of alpha-mannosidase. Last evaluated: 2026-03-28. Review status: criteria provided, single submitter. Criteria: ACMG Guidelines, 2015. Collection method: clinical testing. Allele origin: unknown.
Comment: Deletion of gene MAN2B1.

NM_000528.4(MAN2B1):c.2665_*4del376 (p.Phe889fs)

Genes: MAN2B1 (mannosidase alpha class 2B member 1; minus strand), LOC130063648 (ATAC-STARR-seq lymphoblastoid active region 14063; plus strand). Cytogenetic location: 19p13.13.
Variant type: Deletion.
Coding change: c.2665_*4del376 on transcript NM_000528.4 (MANE Select); coding-DNA position 2665 through 4 bases downstream of the stop codon, 983 bases deleted.
Protein change: p.Phe889fs; shifts the reading frame from phenylalanine 889.
Molecular consequence: frameshift variant, splice acceptor variant, splice donor variant.
Genome position (GRCh38, 1-based): chr19:12,646,616-12,647,598, 983 bases deleted. GRCh37 (hg19): chr19:12,757,430-12,758,412.
Other names: c.2662_*4del376, p.Phe888fs (NM_001173498.2); c.2668_*4del376, p.Phe890fs (NM_001440570.1); short protein forms F888fs, F889fs, F890fs.
Identifiers: ClinVar variation 4820230 (VCV004820230.1).